The following is an entry in ClinVar:

ClinVar aggregate classification (germline): Pathogenic (1 of 4 stars; one submission).

Conditions:
Developmental and epileptic encephalopathy, 9 (DEE9). Also called: PCDH19-Related X-Linked Female-Limited Epilepsy with Mental Retardation; Early infantile epileptic encephalopathy 9; EPILEPSY, FEMALE-RESTRICTED, WITH MENTAL RETARDATION; JUBERG-HELLMAN SYNDROME. Identifiers: Orphanet 101039, Orphanet 2076, MedGen C1848137, MONDO:0010246, OMIM 300088. Disease mechanism: loss of function.

Submission:

Labcorp Genetics (formerly Invitae), Labcorp
Classification: Pathogenic for Developmental and epileptic encephalopathy, 9. Last evaluated: 2020-08-25. Review status: criteria provided, single submitter. Criteria: Invitae Variant Classification Sherloc (09022015). Collection method: clinical testing. Allele origin: germline.
Comment: For these reasons, this variant has been classified as Pathogenic. Loss-of-function variants in PCDH19 are known to be pathogenic (PMID: 21053371). This variant has not been reported in the literature in individuals with PCDH19-related conditions. This variant is not present in population databases (ExAC no frequency). This sequence change creates a premature translational stop signal (p.Leu473Cysfs*48) in the PCDH19 gene. It is expected to result in an absent or disrupted protein product.

Literature cited by the submitters: PubMed 21053371.

NM_001184880.2(PCDH19):c.1416_1420del (p.Leu473fs)

Gene: PCDH19 (protocadherin 19; minus strand). Cytogenetic location: Xq22.1.
Variant type: Deletion.
Coding change: c.1416_1420del on transcript NM_001184880.2 (MANE Select); coding-DNA positions 1416 to 1420, 5 bases deleted (GCTCT; older notation c.1416_1420delGCTCT).
Protein change: p.Leu473fs; shifts the reading frame from leucine 473.
Molecular consequence: frameshift variant.
Genome position (GRCh38, 1-based): chrX:100,407,178-100,407,182, AGAGC deleted on the plus strand (GCTCT on the coding strand, the reverse complement: PCDH19 is on the minus strand); deleting any 5 consecutive bases within chrX:100,407,178-100,407,185 gives the same sequence; the c. name uses the placement nearest the transcript's 3' end. VCF-style (leftmost placement, unchanged base first): chrX-100407177-GAGAGC-G. GRCh37 (hg19) VCF-style: chrX-99662175-GAGAGC-G.
Other names: c.1416_1420del, p.Leu473fs (NM_001105243.2, NM_020766.3); short protein forms L473fs.
Identifiers: ClinVar variation 1071350 (VCV001071350.7), dbSNP rs2147538807, ClinGen allele CA2499226254.